The following is an entry in ClinVar:

ClinVar aggregate classification (germline): Likely benign. Review status: criteria provided, multiple submitters, no conflicts (2 of 4 stars). 2 submissions from 2 submitters: Likely benign (2). Last evaluated 2024-06-03.

Conditions:
Cataract 21 multiple types. Also called: Cataract, congenital, cerulean type, 4; CATARACT 21, MULTIPLE TYPES, WITH OR WITHOUT MICROCORNEA; CATARACT 21, CERULEAN, WITH OR WITHOUT MICROCORNEA; CATARACT 21, MULTIPLE TYPES, WITH MICROCORNEA. Identifiers: Orphanet 91492, MedGen C1857768, MONDO:0012437, OMIM 610202.
Ayme-Gripp syndrome. Also called: Aymé-Gripp Syndrome. Identifiers: MedGen C1832812, MONDO:0010992, OMIM 601088.

Allele frequency attached by ClinVar (database versions not stated): ExAC 0.00001; gnomAD 0.00001; gnomAD exomes 0.00001 and 0.00002; TOPMed 0.00004.
gnomAD v4.1: 11 of 1,613,064 alleles (0.00068%); highest among the groups gnomAD compares: East Asian, 0.011%; no homozygotes.

Submissions (2):

Labcorp Genetics (formerly Invitae), Labcorp
Classification: Likely benign for Cataract 21 multiple types; Ayme-Gripp syndrome. Last evaluated: 2024-06-03. Review status: criteria provided, single submitter. Criteria: Invitae Variant Classification Sherloc (09022015). Collection method: clinical testing. Allele origin: germline.

Women's Health and Genetics/Laboratory Corporation of America, LabCorp
Classification: Likely benign. Last evaluated: 2022-02-02. Review status: criteria provided, single submitter. Criteria: LabCorp Variant Classification Summary - May 2015. Collection method: clinical testing. Allele origin: germline.
Comment: Variant summary: MAF c.864G>A alters a non-conserved nucleotide resulting in a synonymous change. 4/4 computational tools predict no significant impact on normal splicing. However, these predictions have yet to be confirmed by functional studies. The variant allele was found at a frequency of 1.6e-05 in 247028 control chromosomes (gnomAD). The available data on variant occurrences in the general population are insufficient to allow any conclusion about variant significance. To our knowledge, no occurrence of c.864G>A in individuals affected with MAF-Related Disorders and no experimental evidence demonstrating its impact on protein function have been reported. No clinical diagnostic laboratories have submitted clinical-significance assessments for this variant to ClinVar after 2014. Based on the evidence outlined above, the variant was classified as likely benign.

NM_005360.5(MAF):c.864G>A (p.Arg288=)

Gene: MAF (MAF bZIP transcription factor; minus strand). Cytogenetic location: 16q23.2.
Variant type: single nucleotide variant.
Coding change: c.864G>A on transcript NM_005360.5 (MANE Select); coding-DNA position 864, G replaced by A.
Protein change: p.Arg288=; no amino-acid change (arginine 288 retained).
Molecular consequence: synonymous variant.
Genome position (GRCh38, 1-based): chr16:79,599,039, C>T on the plus strand (G>A on the coding strand, the complement: MAF is on the minus strand). VCF-style: chr16-79599039-C-T. GRCh37 (hg19) VCF-style: chr16-79632936-C-T.
Other names: c.864G>A, p.Arg288= (NM_001031804.3).
Identifiers: ClinVar variation 1343603 (VCV001343603.3), dbSNP rs749330861, ClinGen allele CA8184014.